The following is an entry in ClinVar:

ClinVar aggregate classification (germline): Uncertain significance. Review status: criteria provided, multiple submitters, no conflicts (2 of 4 stars). 2 submissions from 2 submitters: Uncertain significance (2). Last evaluated 2022-04-10.

Allele frequency attached by ClinVar (database versions not stated): gnomAD 0.00002; ExAC 0.00003; gnomAD exomes 0.00003 and 0.00015; TOPMed 0.00005; ESP Exome Variant Server 0.00008.
gnomAD v4.1: 212 of 1,614,018 alleles (0.013%); highest among the groups gnomAD compares: Non-Finnish European, 0.017%; no homozygotes.

Submissions (2):

Labcorp Genetics (formerly Invitae), Labcorp
Classification: Uncertain significance. Last evaluated: 2022-04-10. Review status: criteria provided, single submitter. Criteria: Invitae Variant Classification Sherloc (09022015). Collection method: clinical testing. Allele origin: germline.
Comment: This sequence change replaces glycine, which is neutral and non-polar, with serine, which is neutral and polar, at codon 465 of the ALDH3A2 protein (p.Gly465Ser). This variant is present in population databases (rs371197295, gnomAD 0.01%). This variant has not been reported in the literature in individuals affected with ALDH3A2-related conditions. ClinVar contains an entry for this variant (Variation ID: 1343474). Advanced modeling of protein sequence and biophysical properties (such as structural, functional, and spatial information, amino acid conservation, physicochemical variation, residue mobility, and thermodynamic stability) performed at Invitae indicates that this missense variant is not expected to disrupt ALDH3A2 protein function. In summary, the available evidence is currently insufficient to determine the role of this variant in disease. Therefore, it has been classified as a Variant of Uncertain Significance.

Women's Health and Genetics/Laboratory Corporation of America, LabCorp
Classification: Uncertain significance. Last evaluated: 2022-02-18. Review status: criteria provided, single submitter. Criteria: LabCorp Variant Classification Summary - May 2015. Collection method: clinical testing. Allele origin: germline.

NM_000382.3(ALDH3A2):c.1393G>A (p.Gly465Ser)

Gene: ALDH3A2 (aldehyde dehydrogenase 3 family member A2; plus strand). Cytogenetic location: 17p11.2.
Variant type: single nucleotide variant.
Coding change: c.1393G>A on transcript NM_000382.3 (MANE Select); coding-DNA position 1393, G replaced by A.
Protein change: p.Gly465Ser; replaces glycine 465 with serine.
Molecular consequence: missense variant. On other transcripts: intron variant (1).
Genome position (GRCh38, 1-based): chr17:19,671,906, G>A. VCF-style: chr17-19671906-G-A. GRCh37 (hg19) VCF-style: chr17-19575219-G-A.
Other names: c.1393G>A, p.Gly465Ser (NM_001031806.2, NM_001369136.1, NM_001369137.2 and 2 more transcripts); c.814G>A, p.Gly272Ser (NM_001369148.2); c.1208-3652G>A (NM_001369146.2); short protein forms G272S, G465S.
Identifiers: ClinVar variation 1343474 (VCV001343474.3), dbSNP rs371197295, ClinGen allele CA8443071.